The following is an entry in ClinVar:

NM_001845.6(COL4A1):c.388-14T>C

Gene: COL4A1 (collagen type IV alpha 1 chain; minus strand). Cytogenetic location: 13q34.
Variant type: single nucleotide variant.
Coding change: c.388-14T>C on transcript NM_001845.6 (MANE Select); 14 bases into the intron before coding-DNA position 388, T replaced by C.
Molecular consequence: intron variant.
Genome position (GRCh38, 1-based): chr13:110,211,936, A>G on the plus strand (T>C on the coding strand, the complement: COL4A1 is on the minus strand). VCF-style: chr13-110211936-A-G. GRCh37 (hg19) VCF-style: chr13-110864283-A-G.
Other names: c.388-14T>C (NM_001303110.2).
Identifiers: ClinVar variation 4736907 (VCV004736907.1).

ClinVar aggregate classification (germline): Uncertain significance (1 of 4 stars; one submission).

gnomAD v4.1: 3 of 1,613,916 alleles (0.00019%); highest among the groups gnomAD compares: South Asian, 0.0033%; no homozygotes.

Submission:

Labcorp Genetics (formerly Invitae), Labcorp
Classification: Uncertain significance. Last evaluated: 2025-03-18. Review status: criteria provided, single submitter. Criteria: Invitae Variant Classification Sherloc (09022015). Collection method: clinical testing. Allele origin: germline.
Comment: This sequence change falls in intron 6 of the COL4A1 gene. It does not directly change the encoded amino acid sequence of the COL4A1 protein. This variant is present in population databases (rs556098689, gnomAD 0.006%). This variant has not been reported in the literature in individuals affected with COL4A1-related conditions. Algorithms developed to predict the effect of sequence changes on RNA splicing suggest that this variant may disrupt the consensus splice site. In summary, the available evidence is currently insufficient to determine the role of this variant in disease. Therefore, it has been classified as a Variant of Uncertain Significance.